The following is an entry in ClinVar:

ClinVar aggregate classification (germline): Likely benign (1 of 4 stars; one submission).

Allele frequency attached by ClinVar (database versions not stated): ExAC 0.00009; gnomAD exomes 0.00012 and 0.00032; TOPMed 0.00022; gnomAD 0.00023 and 0.00024.
gnomAD v4.1: 474 of 1,517,956 alleles (0.031%); highest among the groups gnomAD compares: Non-Finnish European, 0.039%; no homozygotes.

Submission:

GeneDx
Classification: Likely benign. Last evaluated: 2017-08-04. Review status: criteria provided, single submitter. Criteria: GeneDx Variant Classification (06012015). Collection method: clinical testing. Allele origin: germline. Affected: yes.
Comment: This variant is considered likely benign or benign based on one or more of the following criteria: it is a conservative change, it occurs at a poorly conserved position in the protein, it is predicted to be benign by multiple in silico algorithms, and/or has population frequency not consistent with disease.

NM_018129.4(PNPO):c.-28A>G

Gene: PNPO (pyridoxamine 5'-phosphate oxidase; plus strand). Cytogenetic location: 17q21.32.
Variant type: single nucleotide variant.
Coding change: c.-28A>G on transcript NM_018129.4 (MANE Select); 28 bases upstream of the start codon, A replaced by G.
Molecular consequence: 5 prime UTR variant.
Genome position (GRCh38, 1-based): chr17:47,941,648, A>G. VCF-style: chr17-47941648-A-G. GRCh37 (hg19) VCF-style: chr17-46019014-A-G.
Identifiers: ClinVar variation 206436 (VCV000206436.1), dbSNP rs745440177, ClinGen allele CA316541.